The following is an entry in ClinVar:

NM_006087.4(TUBB4A):c.67G>A (p.Val23Ile)

Gene: TUBB4A (tubulin beta 4A class IVa; minus strand). Cytogenetic location: 19p13.3.
Variant type: single nucleotide variant.
Coding change: c.67G>A on transcript NM_006087.4 (MANE Select); coding-DNA position 67, G replaced by A.
Protein change: p.Val23Ile; replaces valine 23 with isoleucine.
Molecular consequence: missense variant. On other transcripts: intron variant (2).
Genome position (GRCh38, 1-based): chr19:6,501,614, C>T on the plus strand (G>A on the coding strand, the complement: TUBB4A is on the minus strand). VCF-style: chr19-6501614-C-T. GRCh37 (hg19) VCF-style: chr19-6501625-C-T.
Other names: c.220G>A, p.Val74Ile (NM_001289123.2); c.202G>A, p.Val68Ile (NM_001289127.2); c.67G>A, p.Val23Ile (NM_001289129.2); c.-116-34G>A (NM_001289131.2, NM_001289130.2); short protein forms V23I, V68I, V74I.
Identifiers: ClinVar variation 3662811 (VCV003662811.2).

ClinVar aggregate classification (germline): Uncertain significance (1 of 4 stars; one submission).

Conditions:
Leukodystrophy, hypomyelinating, 6. Also called: LEUKODYSTROPHY, HYPOMYELINATING, WITH ATROPHY OF THE BASAL GANGLIA AND CEREBELLUM; TUBB4A-Associated Leukodystrophy; Hypomyelination with Atrophy of Basal Ganglia and Cerebellum (H-ABC). Identifiers: Orphanet 139441, MedGen C2676244, MONDO:0012905, OMIM 612438.

Submission:

Labcorp Genetics (formerly Invitae), Labcorp
Classification: Uncertain significance for Leukodystrophy, hypomyelinating, 6. Last evaluated: 2024-08-19. Review status: criteria provided, single submitter. Criteria: Invitae Variant Classification Sherloc (09022015). Collection method: clinical testing. Allele origin: germline.
Comment: This sequence change replaces valine, which is neutral and non-polar, with isoleucine, which is neutral and non-polar, at codon 23 of the TUBB4A protein (p.Val23Ile). This variant is not present in population databases (gnomAD no frequency). This variant has not been reported in the literature in individuals affected with TUBB4A-related conditions. Invitae Evidence Modeling of protein sequence and biophysical properties (such as structural, functional, and spatial information, amino acid conservation, physicochemical variation, residue mobility, and thermodynamic stability) indicates that this missense variant is not expected to disrupt TUBB4A protein function with a negative predictive value of 80%. In summary, the available evidence is currently insufficient to determine the role of this variant in disease. Therefore, it has been classified as a Variant of Uncertain Significance.